The following is an entry in ClinVar:

NM_000388.4(CASR):c.1318G>C (p.Gly440Arg)

Gene: CASR (calcium sensing receptor; plus strand). Cytogenetic location: 3q21.1.
Variant type: single nucleotide variant.
Coding change: c.1318G>C on transcript NM_000388.4 (MANE Select); coding-DNA position 1318, G replaced by C.
Protein change: p.Gly440Arg; replaces glycine 440 with arginine.
Molecular consequence: missense variant.
Genome position (GRCh38, 1-based): chr3:122,262,353, G>C. VCF-style: chr3-122262353-G-C. GRCh37 (hg19) VCF-style: chr3-121981200-G-C.
Other names: c.1318G>C, p.Gly440Arg (NM_001178065.2); short protein forms G440R.
Identifiers: ClinVar variation 1769835 (VCV001769835.5), dbSNP rs1390306952, ClinGen allele CA354153093.

ClinVar aggregate classification (germline): Uncertain significance. Review status: criteria provided, multiple submitters, no conflicts (2 of 4 stars). 2 submissions from 2 submitters: Uncertain significance (2). Last evaluated 2023-09-11.

Conditions:
Familial hypocalciuric hypercalcemia (FHH). Also called: Familial benign hypercalcemia. Identifiers: Orphanet 405, MedGen C1809471, MONDO:0018458.
Autosomal dominant hypocalcemia 1 (HYPOC1). Also called: HYPOCALCEMIA, FAMILIAL. Identifiers: MedGen C3715128, MONDO:0011013, OMIM 601198.
Nephrolithiasis/nephrocalcinosis. Identifiers: MedGen CN580796.

Allele frequency attached by ClinVar (database versions not stated): TOPMed below 0.00001; gnomAD 0.00001.
gnomAD v4.1: 2 of 1,613,896 alleles (0.00012%); highest among the groups gnomAD compares: African/African-American, 0.0027%; no homozygotes.

Submissions (2):

Labcorp Genetics (formerly Invitae), Labcorp
Classification: Uncertain significance for Familial hypocalciuric hypercalcemia; Autosomal dominant hypocalcemia 1. Last evaluated: 2023-09-11. Review status: criteria provided, single submitter. Criteria: Invitae Variant Classification Sherloc (09022015). Collection method: clinical testing. Allele origin: germline.
Comment: In summary, the available evidence is currently insufficient to determine the role of this variant in disease. Therefore, it has been classified as a Variant of Uncertain Significance. This sequence change replaces glycine, which is neutral and non-polar, with arginine, which is basic and polar, at codon 440 of the CASR protein (p.Gly440Arg). This variant is not present in population databases (gnomAD no frequency). This variant has not been reported in the literature in individuals affected with CASR-related conditions. ClinVar contains an entry for this variant (Variation ID: 1769835). An algorithm developed to predict the effect of missense changes on protein structure and function (PolyPhen-2) suggests that this variant is likely to be disruptive.

Ambry Genetics
Classification: Uncertain significance for Nephrolithiasis/nephrocalcinosis. Last evaluated: 2021-06-23. Review status: criteria provided, single submitter. Criteria: Ambry Variant Classification Scheme 2023. Collection method: clinical testing. Allele origin: germline.
Comment: The p.G440R variant (also known as c.1318G>C), located in coding exon 3 of the CASR gene, results from a G to C substitution at nucleotide position 1318. The glycine at codon 440 is replaced by arginine, an amino acid with dissimilar properties. This amino acid position is conserved. In addition, this alteration is predicted to be deleterious by in silico analysis. Since supporting evidence is limited at this time, the clinical significance of this alteration remains unclear.